The following is an entry in ClinVar:

NM_001040142.2(SCN2A):c.2017G>C (p.Gly673Arg)

Gene: SCN2A (sodium voltage-gated channel alpha subunit 2; plus strand). Cytogenetic location: 2q24.3.
Variant type: single nucleotide variant.
Coding change: c.2017G>C on transcript NM_001040142.2 (MANE Select); coding-DNA position 2017, G replaced by C.
Protein change: p.Gly673Arg; replaces glycine 673 with arginine.
Molecular consequence: missense variant.
Genome position (GRCh38, 1-based): chr2:165,326,852, G>C. VCF-style: chr2-165326852-G-C. GRCh37 (hg19) VCF-style: chr2-166183362-G-C.
Other names: c.2017G>C, p.Gly673Arg (NM_001040143.2, NM_001371246.1, NM_001371247.1 and 1 more transcripts); short protein forms G673R.
Identifiers: ClinVar variation 1318629 (VCV001318629.9), dbSNP rs766339753, ClinGen allele CA349028886.

ClinVar aggregate classification (germline): Uncertain significance. Review status: criteria provided, multiple submitters, no conflicts (2 of 4 stars). 2 submissions from 2 submitters: Uncertain significance (2). Last evaluated 2021-05-30.

Conditions:
Developmental and epileptic encephalopathy, 11 (DEE11). Also called: Early infantile epileptic encephalopathy 11. Identifiers: Orphanet 1934, MedGen C3150987, MONDO:0013388, OMIM 613721.
Seizures, benign familial infantile, 3 (BFIS3). Also called: CONVULSIONS, BENIGN FAMILIAL INFANTILE, 3; Familial neonatal seizures. Identifiers: Orphanet 140927, Orphanet 306, MedGen C1843140, MONDO:0011904, OMIM 607745.

Submissions (2):

Labcorp Genetics (formerly Invitae), Labcorp
Classification: Uncertain significance for Seizures, benign familial infantile, 3; Developmental and epileptic encephalopathy, 11. Last evaluated: 2021-05-30. Review status: criteria provided, single submitter. Criteria: Invitae Variant Classification Sherloc (09022015). Collection method: clinical testing. Allele origin: germline.
Comment: Algorithms developed to predict the effect of sequence changes on RNA splicing suggest that this variant may disrupt the consensus splice site, but this prediction has not been confirmed by published transcriptional studies. In summary, the available evidence is currently insufficient to determine the role of this variant in disease. Therefore, it has been classified as a Variant of Uncertain Significance. Algorithms developed to predict the effect of missense changes on protein structure and function are either unavailable or do not agree on the potential impact of this missense change (SIFT: "Deleterious"; PolyPhen-2: "Probably Damaging"; Align-GVGD: "Class C0"). This variant has not been reported in the literature in individuals with SCN2A-related conditions. This variant is not present in population databases (ExAC no frequency). This sequence change replaces glycine with arginine at codon 673 of the SCN2A protein (p.Gly673Arg). The glycine residue is moderately conserved and there is a moderate physicochemical difference between glycine and arginine.

GeneDx
Classification: Uncertain significance. Last evaluated: 2021-04-15. Review status: criteria provided, single submitter. Criteria: GeneDx Variant Classification Process June 2021. Collection method: clinical testing. Allele origin: germline. Affected: yes.
Comment: Not observed in large population cohorts (Lek et al., 2016); Missense variants in this gene are often considered pathogenic (Stenson et al., 2014); In silico analysis supports that this missense variant has a deleterious effect on protein structure/function; In silico analysis supports that this missense variant has a deleterious effect on splicing; Has not been previously published as pathogenic or benign to our knowledge; This substitution is predicted to be in the cytoplasmic loop between the first and second homologous domains